The following is an entry in ClinVar:

NM_000283.4(PDE6B):c.2210C>G (p.Ala737Gly)

Gene: PDE6B (phosphodiesterase 6B; plus strand). Cytogenetic location: 4p16.3.
Variant type: single nucleotide variant.
Coding change: c.2210C>G on transcript NM_000283.4 (MANE Select); coding-DNA position 2210, C replaced by G.
Protein change: p.Ala737Gly; replaces alanine 737 with glycine.
Molecular consequence: missense variant.
Genome position (GRCh38, 1-based): chr4:665,271, C>G. VCF-style: chr4-665271-C-G. GRCh37 (hg19) VCF-style: chr4-659060-C-G.
Other names: c.1373C>G, p.Ala458Gly (NM_001145292.2, NM_001350154.3, NM_001379246.1 and 1 more transcripts); c.1055C>G, p.Ala352Gly (NM_001350155.3); c.2210C>G, p.Ala737Gly (NM_001145291.2); short protein forms A458G, A737G, A352G.
Identifiers: ClinVar variation 1356906 (VCV001356906.8), dbSNP rs574529843, ClinGen allele CA355919951.
Genomic context (GRCh38, chr4:665,271, plus strand): 5'-GTGGGCTCAGAGCTCCACAGACAGCTGCCTTCCTGTGCCTCCAGGTCGCACTTCTCGTGG[C>G]TGCTGAGTTCTGGGAGCAAGGTGACTTGGAAAGGACAGTCTTGGATCAGCAGCCCATTGT-3'
Protein context (NP_000274.3, residues 727-747): EVQSKVALLV[Ala737Gly]AEFWEQGDLE

ClinVar aggregate classification (germline): Uncertain significance (1 of 4 stars; one submission).

Allele frequency attached by ClinVar (database versions not stated): gnomAD exomes below 0.00001; TOPMed 0.00001.
gnomAD v4.1: 1 of 1,612,576 alleles (0.000062%); highest among the groups gnomAD compares: South Asian, 0.0011%; no homozygotes.

Submission:

Labcorp Genetics (formerly Invitae), Labcorp
Classification: Uncertain significance. Last evaluated: 2022-03-10. Review status: criteria provided, single submitter. Criteria: Invitae Variant Classification Sherloc (09022015). Collection method: clinical testing. Allele origin: germline.
Comment: In summary, the available evidence is currently insufficient to determine the role of this variant in disease. Therefore, it has been classified as a Variant of Uncertain Significance. Algorithms developed to predict the effect of missense changes on protein structure and function are either unavailable or do not agree on the potential impact of this missense change (SIFT: "Deleterious"; PolyPhen-2: "Probably Damaging"; Align-GVGD: "Class C0"). This variant has not been reported in the literature in individuals affected with PDE6B-related conditions. This variant is present in population databases (no rsID available, gnomAD 0.003%). This sequence change replaces alanine, which is neutral and non-polar, with glycine, which is neutral and non-polar, at codon 737 of the PDE6B protein (p.Ala737Gly).